The following is an entry in ClinVar:

ClinVar aggregate classification (germline): Pathogenic. Review status: no assertion criteria provided (0 of 4 stars). 2 submissions from 1 submitter: Pathogenic (2). Last evaluated 2003-07-15.

Conditions:
Triphalangeal thumb (TPT). Identifiers: MedGen C0241397, HP:0001199.
Polydactyly of a triphalangeal thumb. Also called: Polydactyly, preaxial type II; POLYDACTYLY OF TRIPHALANGEAL THUMB; TRIPHALANGEAL THUMB-POLYDACTYLY SYNDROME. Identifiers: Orphanet 2439, Orphanet 2950, Orphanet 93336, MedGen C1868114, MONDO:0008270, OMIM 174500.

Submissions (2):

OMIM
Classification: Pathogenic for POLYDACTYLY, PREAXIAL II. Last evaluated: 2003-07-15. Review status: no assertion criteria provided. Collection method: literature only. Allele origin: germline.

OMIM
Classification: Pathogenic for TRIPHALANGEAL THUMB. Last evaluated: 2003-07-15. Review status: no assertion criteria provided. Collection method: literature only. Allele origin: germline.

Literature cited by the submitters: PubMed 12837695; PubMed 32169219.

NM_022458.4(LMBR1):c.423+4842T>C

Genes: LMBR1 (limb development membrane protein 1; minus strand), ZRS (ZPA regulatory sequence; plus strand). Cytogenetic location: 7q36.3.
Variant type: single nucleotide variant.
Coding change: c.423+4842T>C on transcript NM_022458.4 (MANE Select); 4842 bases into the intron after coding-DNA position 423, T replaced by C.
Molecular consequence: intron variant.
Genome position (GRCh38, 1-based): chr7:156,791,547, A>G on the plus strand (T>C on the coding strand, the complement: LMBR1 is on the minus strand). VCF-style: chr7-156791547-A-G. GRCh37 (hg19) VCF-style: chr7-156584241-A-G.
Other names: 323T-C; 329T-C; c.360+4842T>C (NM_001363412.2); c.144+4842T>C (NM_001350954.2); c.423+4842T>C (NM_001363410.2, NM_001363409.2, NM_001350953.2); c.-112+4842T>C (NM_001350958.2, NM_001350956.2, NM_001350955.2 and 1 more transcripts); c.54+4842T>C (NM_001350957.2, NM_001363411.2).
Identifiers: ClinVar variation 4900 (VCV000004900.5), dbSNP rs606231149, ClinGen allele CA117134.